The following is an entry in ClinVar:

ClinVar aggregate classification (germline): Likely benign. Review status: criteria provided, single submitter (1 of 4 stars). 2 submissions from 2 submitters: Likely benign (1). 1 of the submissions does not count toward it. Last evaluated 2025-08-28.

Conditions:
Hereditary cancer-predisposing syndrome. Also called: Hereditary Cancer Syndrome; Hereditary neoplastic syndrome; Neoplastic Syndromes, Hereditary; Tumor predisposition. Identifiers: Orphanet 140162, MedGen C0027672, MeSH D009386, MONDO:0015356.
Carcinoma of colon (CRC). Also called: Colonic carcinoma; Colon carcinoma. Identifiers: MedGen C0699790, MONDO:0002032.

Submissions (2):

Ambry Genetics
Classification: Likely benign for Hereditary cancer-predisposing syndrome. Last evaluated: 2025-08-28. Review status: criteria provided, single submitter. Criteria: Ambry Variant Classification Scheme 2023. Collection method: clinical testing. Allele origin: germline.

Leiden Open Variation Database
Classification: Uncertain significance for Colorectal cancer. Last evaluated: 2018-10-01. Review status: no assertion criteria provided. Collection method: curation. Allele origin: germline. Affected: yes. Not counted in ClinVar's aggregate classification.
Comment: Curators: Marc Tischkowitz, Arleen D. Auerbach. Submitter to LOVD: Melissa DeRycke.

NM_024675.4(PALB2):c.21G>T (p.Lys7Asn)

Gene: PALB2 (partner and localizer of BRCA2; minus strand). Cytogenetic location: 16p12.2.
Variant type: single nucleotide variant.
Coding change: c.21G>T on transcript NM_024675.4 (MANE Select); coding-DNA position 21, G replaced by T.
Protein change: p.Lys7Asn; replaces lysine 7 with asparagine.
Molecular consequence: missense variant.
Genome position (GRCh38, 1-based): chr16:23,641,137, C>A on the plus strand (G>T on the coding strand, the complement: PALB2 is on the minus strand). VCF-style: chr16-23641137-C-A. GRCh37 (hg19) VCF-style: chr16-23652458-C-A.
Other names: short protein forms K7N.
Identifiers: ClinVar variation 830083 (VCV000830083.2), dbSNP rs1424944402, ClinGen allele CA395141157.